The following is an entry in ClinVar:

NM_032043.3(BRIP1):c.1065C>G (p.Ala355=)

Gene: BRIP1 (BRCA1 interacting DNA helicase 1; minus strand). Cytogenetic location: 17q23.2.
Variant type: single nucleotide variant.
Coding change: c.1065C>G on transcript NM_032043.3 (MANE Select); coding-DNA position 1065, C replaced by G.
Protein change: p.Ala355=; no amino-acid change (alanine 355 retained).
Molecular consequence: synonymous variant.
Genome position (GRCh38, 1-based): chr17:61,801,328, G>C on the plus strand (C>G on the coding strand, the complement: BRIP1 is on the minus strand). VCF-style: chr17-61801328-G-C. GRCh37 (hg19) VCF-style: chr17-59878689-G-C.
Identifiers: ClinVar variation 479473 (VCV000479473.16), dbSNP rs1222801209, ClinGen allele CA501151868.

ClinVar aggregate classification (germline): Benign/Likely benign. Review status: criteria provided, multiple submitters, no conflicts (2 of 4 stars). 3 submissions from 3 submitters: Benign (1); Likely benign (2). Last evaluated 2024-08-22.

Conditions:
Hereditary cancer-predisposing syndrome. Also called: Tumor predisposition; Neoplastic Syndromes, Hereditary; Hereditary Cancer Syndrome; Hereditary neoplastic syndrome. Identifiers: Orphanet 140162, MedGen C0027672, MeSH D009386, MONDO:0015356.
Fanconi anemia complementation group J. Also called: BRIP1-Related Fanconi Anemia. Identifiers: Orphanet 84, MedGen C1836860, MONDO:0012187, OMIM 609054.
Familial cancer of breast. Also called: BREAST CANCER, FAMILIAL; Hereditary breast cancer; hereditary breast carcinoma. Identifiers: Orphanet 227535, MedGen C0346153, MONDO:0016419, OMIM 114480. Disease mechanism: loss of function.

Allele frequency attached by ClinVar (database versions not stated): gnomAD exomes below 0.00001; gnomAD 0.00001.
gnomAD v4.1: 1 of 1,613,838 alleles (0.000062%); highest among the groups gnomAD compares: Non-Finnish European, 0.000085%; no homozygotes.

Submissions (3):

Myriad Genetics, Inc.
Classification: Benign for Familial cancer of breast. Last evaluated: 2024-08-22. Review status: criteria provided, single submitter. Criteria: Myriad Autosomal Dominant, Autosomal Recessive and X-Linked Classification Criteria (2023). Collection method: clinical testing. Allele origin: unknown.
Comment: This variant is considered benign. This variant is a silent/synonymous amino acid change and it is not expected to impact splicing.

Labcorp Genetics (formerly Invitae), Labcorp
Classification: Likely benign for Familial cancer of breast; Fanconi anemia complementation group J. Last evaluated: 2023-01-14. Review status: criteria provided, single submitter. Criteria: Invitae Variant Classification Sherloc (09022015). Collection method: clinical testing. Allele origin: germline.

Ambry Genetics
Classification: Likely benign for Hereditary cancer-predisposing syndrome. Last evaluated: 2017-04-05. Review status: criteria provided, single submitter. Criteria: Ambry Variant Classification Scheme 2023. Collection method: clinical testing. Allele origin: germline.